The following is an entry in ClinVar:

ClinVar aggregate classification (germline): Benign/Likely benign. Review status: criteria provided, multiple submitters, no conflicts (2 of 4 stars). 4 submissions from 4 submitters: Benign (1); Likely benign (2). 1 of the submissions does not count toward it. Last evaluated 2026-06-01.

Conditions:
BRD4-related disorder. Also called: BRD4-related condition.

Allele frequency attached by ClinVar (database versions not stated): ExAC 0.00033; 1000 Genomes Project 30x 0.00078; 1000 Genomes Project 0.00080; gnomAD 0.00149; ESP Exome Variant Server 0.00154; TOPMed 0.00182.
gnomAD v4.1: 454 of 1,614,164 alleles (0.028%); highest among the groups gnomAD compares: African/African-American, 0.54%; no homozygotes.

Submissions (6):

CeGaT Center for Human Genetics Tuebingen
Classification: Likely benign. Last evaluated: 2026-06-01. Review status: criteria provided, single submitter. Criteria: CeGaT Center For Human Genetics Tuebingen Variant Classification Criteria Version 2. Collection method: clinical testing. Allele origin: germline. Affected: yes. Observed: 3 variant alleles.
Comment: BRD4: BP4, BP7

Labcorp Genetics (formerly Invitae), Labcorp
Classification: Benign. Last evaluated: 2026-02-03. Review status: criteria provided, single submitter. Criteria: Invitae Variant Classification Sherloc (09022015). Collection method: clinical testing. Allele origin: germline.

Blueprint Genetics
Classification: Likely benign. Last evaluated: 2024-10-16. Review status: criteria provided, single submitter. Criteria: ACMG Guidelines, 2015. Collection method: clinical testing. Allele origin: germline.

PreventionGenetics, part of Exact Sciences
Classification: Likely benign for BRD4-related condition. Last evaluated: 2023-04-13. Review status: no assertion criteria provided. Collection method: clinical testing. Allele origin: germline. Not counted in ClinVar's aggregate classification.
Comment: This variant is classified as likely benign based on ACMG/AMP sequence variant interpretation guidelines (Richards et al. 2015 PMID: 25741868, with internal and published modifications).

Dr. Peter K. Rogan Lab, Western University
No classification provided (evidence only). Condition: Lung cancer. Review status: no classification provided. Collection method: in vitro. Allele origin: not applicable. Functional consequence: retained intron. Not counted in ClinVar's aggregate classification.

Dr. Peter K. Rogan Lab, Western University
No classification provided (evidence only). Condition: Gastric cancer. Review status: no classification provided. Collection method: in vitro. Allele origin: not applicable. Functional consequence: retained intron. Not counted in ClinVar's aggregate classification.

NM_001379291.1(BRD4):c.1881C>T (p.Gly627=)

Gene: BRD4 (bromodomain containing 4; minus strand). Cytogenetic location: 19p13.12.
Variant type: single nucleotide variant.
Coding change: c.1881C>T on transcript NM_001379291.1 (MANE Select); coding-DNA position 1881, C replaced by T.
Protein change: p.Gly627=; no amino-acid change (glycine 627 retained).
Molecular consequence: synonymous variant.
Genome position (GRCh38, 1-based): chr19:15,255,463, G>A on the plus strand (C>T on the coding strand, the complement: BRD4 is on the minus strand). VCF-style: chr19-15255463-G-A. GRCh37 (hg19) VCF-style: chr19-15366274-G-A.
Other names: c.1881C>T, p.Gly627= (NM_001330384.2, NM_001379292.1, NM_014299.3 and 1 more transcripts); c.1881C>T (NM_058243.2).
Identifiers: ClinVar variation 2056304 (VCV002056304.31), dbSNP rs145190938, ClinGen allele CA9265254.
Genomic context (GRCh38, chr19:15,255,463, plus strand): 5'-GGAATTCTTCAGGGAGGGCTCCCGTGACTGGATGATGTGCACCACGCGGCCCAGCTTCTC[G>A]CCGGGGAGCTTGTTGATGTCCAAGCTGAGCTGCCGCTTCTCCTCATAGGACATAGGCTTG-3'
Protein context (NP_001366220.1, residues 617-637): QLSLDINKLP[Gly627=]EKLGRVVHII